The following is an entry in ClinVar:

NM_145046.5(CALR3):c.23T>C (p.Leu8Pro)

Gene: CALR3 (calreticulin 3; minus strand). Cytogenetic location: 19p13.11.
Variant type: single nucleotide variant.
Coding change: c.23T>C on transcript NM_145046.5 (MANE Select); coding-DNA position 23, T replaced by C.
Protein change: p.Leu8Pro; replaces leucine 8 with proline.
Molecular consequence: missense variant.
Genome position (GRCh38, 1-based): chr19:16,496,107, A>G on the plus strand (T>C on the coding strand, the complement: CALR3 is on the minus strand). VCF-style: chr19-16496107-A-G. GRCh37 (hg19) VCF-style: chr19-16606918-A-G.
Other names: short protein forms L8P.
Identifiers: ClinVar variation 3713033 (VCV003713033.2).

ClinVar aggregate classification (germline): Uncertain significance (1 of 4 stars; one submission).

Conditions:
Hypertrophic cardiomyopathy 19. Also called: Familial hypertrophic cardiomyopathy 19. Identifiers: MedGen CN077603, MONDO:0013476.

gnomAD v4.1: 4 of 1,605,674 alleles (0.00025%); highest among the groups gnomAD compares: Non-Finnish European, 0.00026%; no homozygotes.

Submission:

Labcorp Genetics (formerly Invitae), Labcorp
Classification: Uncertain significance for Hypertrophic cardiomyopathy 19. Last evaluated: 2025-02-24. Review status: criteria provided, single submitter. Criteria: Invitae Variant Classification Sherloc (09022015). Collection method: clinical testing. Allele origin: germline.
Comment: This sequence change replaces leucine, which is neutral and non-polar, with proline, which is neutral and non-polar, at codon 8 of the CALR3 protein (p.Leu8Pro). This variant is not present in population databases (gnomAD no frequency). This variant has not been reported in the literature in individuals affected with CALR3-related conditions. An algorithm developed to predict the effect of missense changes on protein structure and function (PolyPhen-2) suggests that this variant is likely to be disruptive. In summary, the available evidence is currently insufficient to determine the role of this variant in disease. Therefore, it has been classified as a Variant of Uncertain Significance.